The following is an entry in ClinVar:

ClinVar aggregate classification (germline): Uncertain significance (1 of 4 stars; one submission).

Submission:

Labcorp Genetics (formerly Invitae), Labcorp
Classification: Uncertain significance. Last evaluated: 2022-01-17. Review status: criteria provided, single submitter. Criteria: Invitae Variant Classification Sherloc (09022015). Collection method: clinical testing. Allele origin: germline.
Comment: This sequence change falls in intron 17 of the RTTN gene. It does not directly change the encoded amino acid sequence of the RTTN protein. It affects a nucleotide within the consensus splice site. In summary, the available evidence is currently insufficient to determine the role of this variant in disease. Therefore, it has been classified as a Variant of Uncertain Significance. This variant has not been reported in the literature in individuals affected with RTTN-related conditions. This variant is not present in population databases (gnomAD no frequency). Variants that disrupt the consensus splice site are a relatively common cause of aberrant splicing (PMID: 17576681, 9536098). Algorithms developed to predict the effect of sequence changes on RNA splicing suggest that this variant may disrupt the consensus splice site.

Literature cited by the submitters: PubMed 17576681; PubMed 9536098.

NM_173630.4(RTTN):c.2309+5G>A

Gene: RTTN (rotatin; minus strand). Cytogenetic location: 18q22.2.
Variant type: single nucleotide variant.
Coding change: c.2309+5G>A on transcript NM_173630.4 (MANE Select); 5 bases into the intron after coding-DNA position 2309, G replaced by A.
Molecular consequence: intron variant.
Genome position (GRCh38, 1-based): chr18:70,148,896, C>T on the plus strand (G>A on the coding strand, the complement: RTTN is on the minus strand). VCF-style: chr18-70148896-C-T. GRCh37 (hg19) VCF-style: chr18-67816132-C-T.
Other names: c.-339+5G>A (NM_001318520.2).
Identifiers: ClinVar variation 1977517 (VCV001977517.5), dbSNP rs2512681497, ClinGen allele CA2580096001.